The following is an entry in ClinVar:

ClinVar aggregate classification (germline): Likely benign. Review status: criteria provided, multiple submitters, no conflicts (2 of 4 stars). 3 submissions from 3 submitters: Likely benign (3). Last evaluated 2022-10-18.

Conditions:
Hypertrophic cardiomyopathy. Also called: HYPERTROPHIC MYOCARDIOPATHY. Identifiers: Orphanet 217569, MedGen C0007194, MeSH D002312, MONDO:0005045, HP:0001639.
Cardiovascular phenotype. Identifiers: MedGen CN230736.

Allele frequency attached by ClinVar (database versions not stated): gnomAD exomes below 0.00001; ExAC 0.00001; gnomAD 0.00001; TOPMed 0.00002; ESP Exome Variant Server 0.00008.
gnomAD v4.1: 3 of 1,613,944 alleles (0.00019%); highest among the groups gnomAD compares: African/African-American, 0.0013%; no homozygotes.

Submissions (3):

Labcorp Genetics (formerly Invitae), Labcorp
Classification: Likely benign for Hypertrophic cardiomyopathy. Last evaluated: 2022-10-18. Review status: criteria provided, single submitter. Criteria: Invitae Variant Classification Sherloc (09022015). Collection method: clinical testing. Allele origin: germline.

Ambry Genetics
Classification: Likely benign for Cardiovascular phenotype. Last evaluated: 2020-12-11. Review status: criteria provided, single submitter. Criteria: Ambry Variant Classification Scheme 2023. Collection method: clinical testing. Allele origin: germline.

GeneDx
Classification: Likely benign. Last evaluated: 2017-05-01. Review status: criteria provided, single submitter. Criteria: GeneDx Variant Classification (06012015). Collection method: clinical testing. Allele origin: germline. Affected: yes.
Comment: This variant is considered likely benign or benign based on one or more of the following criteria: it is a conservative change, it occurs at a poorly conserved position in the protein, it is predicted to be benign by multiple in silico algorithms, and/or has population frequency not consistent with disease.

NM_016599.5(MYOZ2):c.330C>T (p.Asn110=)

Gene: MYOZ2 (myozenin 2; plus strand). Cytogenetic location: 4q26.
Variant type: single nucleotide variant.
Coding change: c.330C>T on transcript NM_016599.5 (MANE Select); coding-DNA position 330, C replaced by T.
Protein change: p.Asn110=; no amino-acid change (asparagine 110 retained).
Molecular consequence: synonymous variant.
Genome position (GRCh38, 1-based): chr4:119,158,105, C>T. VCF-style: chr4-119158105-C-T. GRCh37 (hg19) VCF-style: chr4-120079260-C-T.
Identifiers: ClinVar variation 509260 (VCV000509260.7), dbSNP rs370237979, ClinGen allele CA3058597.